The following is an entry in ClinVar:

NM_000059.4(BRCA2):c.765_769del (p.Asn255fs)

Gene: BRCA2 (BRCA2 DNA repair associated; plus strand). Cytogenetic location: 13q13.1.
Variant type: Deletion.
Coding change: c.765_769del on transcript NM_000059.4 (MANE Select); coding-DNA positions 765 to 769, 5 bases deleted (CACAA; older notation c.765_769delCACAA).
Protein change: p.Asn255fs; shifts the reading frame from asparagine 255.
Molecular consequence: frameshift variant.
Genome position (GRCh38, 1-based): chr13:32,331,002-32,331,006, CACAA deleted; deleting any 5 consecutive bases within chr13:32,331,000-32,331,006 gives the same sequence; the c. name uses the placement nearest the transcript's 3' end. VCF-style (leftmost placement, unchanged base first): chr13-32330999-AAACAC-A. GRCh37 (hg19) VCF-style: chr13-32905136-AAACAC-A.
Other names: short protein forms N255fs.
Identifiers: ClinVar variation 982670 (VCV000982670.7), dbSNP rs2072386817, ClinGen allele CA1139663099.

ClinVar aggregate classification (germline): Pathogenic/Likely pathogenic. Review status: criteria provided, multiple submitters, no conflicts (2 of 4 stars). 3 submissions from 2 submitters: Pathogenic (2); Likely pathogenic (1). Last evaluated 2025-10-26.

Conditions:
Hereditary breast ovarian cancer syndrome. Also called: Hereditary breast and ovarian cancer syndrome; Hereditary breast and ovarian cancer; Hereditary breast and ovarian cancer syndrome (HBOC); Hereditary breast and/or ovarian cancer syndrome; Breast and ovarian cancer; BRCA1- and BRCA2-Associated Hereditary Breast and Ovarian Cancer. Identifiers: Orphanet 145, MedGen C0677776, MeSH D061325, MONDO:0003582. Disease mechanism: loss of function.
Breast-ovarian cancer, familial, susceptibility to, 2 (BROVCA2). Also called: BRCA2 Hereditary Breast and Ovarian Cancer. Identifiers: Orphanet 145, MedGen C2675520, MONDO:0012933, OMIM 612555. Disease mechanism: loss of function.
Familial cancer of breast. Also called: BREAST CANCER, FAMILIAL; Hereditary breast cancer; hereditary breast carcinoma. Identifiers: Orphanet 227535, MedGen C0346153, MONDO:0016419, OMIM 114480. Disease mechanism: loss of function.

Submissions (3):

Labcorp Genetics (formerly Invitae), Labcorp
Classification: Pathogenic for Hereditary breast ovarian cancer syndrome. Last evaluated: 2025-10-26. Review status: criteria provided, single submitter. Criteria: Invitae Variant Classification Sherloc (09022015). Collection method: clinical testing. Allele origin: germline.
Comment: This sequence change creates a premature translational stop signal (p.Asn255Lysfs*19) in the BRCA2 gene. It is expected to result in an absent or disrupted protein product. Loss-of-function variants in BRCA2 are known to be pathogenic (PMID: 20104584). This variant is not present in population databases (gnomAD no frequency). This premature translational stop signal has been observed in individual(s) with breast and/or ovarian cancer (PMID: 31528241). ClinVar contains an entry for this variant (Variation ID: 982670). For these reasons, this variant has been classified as Pathogenic.

Institute of Human Genetics, University of Leipzig Medical Center
Classification: Pathogenic for Breast-ovarian cancer, familial, susceptibility to, 2. Last evaluated: 2020-04-28. Review status: criteria provided, single submitter. Criteria: ACMG Guidelines, 2015. Collection method: clinical testing. Allele origin: maternal. Affected: yes.

Institute of Human Genetics, University of Leipzig Medical Center
Classification: Likely pathogenic for Familial cancer of breast. Last evaluated: 2019-01-01. Review status: criteria provided, single submitter. Criteria: ACMG Guidelines, 2015. Collection method: clinical testing. Allele origin: unknown. Affected: yes.

Literature cited by the submitters: PubMed 20104584 (cited by Labcorp Genetics (formerly Invitae), Labcorp); PubMed 31528241 (cited by Labcorp Genetics (formerly Invitae), Labcorp).